The following is an entry in ClinVar:

NM_206933.4(USH2A):c.3542A>C (p.Lys1181Thr)

Genes: USH2A (usherin; minus strand), USH2A-AS1 (USH2A antisense RNA 1; plus strand). Cytogenetic location: 1q41.
Variant type: single nucleotide variant.
Coding change: c.3542A>C on transcript NM_206933.4 (MANE Select); coding-DNA position 3542, A replaced by C.
Protein change: p.Lys1181Thr; replaces lysine 1181 with threonine.
Molecular consequence: missense variant.
Genome position (GRCh38, 1-based): chr1:216,199,896, T>G on the plus strand (A>C on the coding strand, the complement: USH2A is on the minus strand). VCF-style: chr1-216199896-T-G. GRCh37 (hg19) VCF-style: chr1-216373238-T-G.
Other names: c.3542A>C, p.Lys1181Thr (NM_007123.6); short protein forms K1181T.
Identifiers: ClinVar variation 1021765 (VCV001021765.8), dbSNP rs753695973, ClinGen allele CA1395968.
Genomic context (GRCh38, chr1:216,199,896, plus strand): 5'-TGACCTTCGTAGGAAACACATGGCTGACCACCAGCCAAAGGGGCACAGGACAAAATATAT[T>G]TCTCTATGGGACCAGATTGATTTGAGAGTGTTGTCCAGGTAAGTGTCACAGAGTCTGAGC-3'
Protein context (NP_996816.3, residues 1171-1191): TLSNQSGPIE[Lys1181Thr]YILSCAPLAG

ClinVar aggregate classification (germline): Uncertain significance (1 of 4 stars; one submission).

Allele frequency attached by ClinVar (database versions not stated): gnomAD exomes 0.00001; ExAC 0.00002.
gnomAD v4.1: 3 of 1,614,110 alleles (0.00019%); highest among the groups gnomAD compares: Non-Finnish European, 0.00025%; no homozygotes.

Submission:

Labcorp Genetics (formerly Invitae), Labcorp
Classification: Uncertain significance. Last evaluated: 2020-10-06. Review status: criteria provided, single submitter. Criteria: Invitae Variant Classification Sherloc (09022015). Collection method: clinical testing. Allele origin: germline.
Comment: This sequence change replaces lysine with threonine at codon 1181 of the USH2A protein (p.Lys1181Thr). The lysine residue is highly conserved and there is a moderate physicochemical difference between lysine and threonine. This variant is present in population databases (rs753695973, ExAC 0.003%). In summary, the available evidence is currently insufficient to determine the role of this variant in disease. Therefore, it has been classified as a Variant of Uncertain Significance. Algorithms developed to predict the effect of missense changes on protein structure and function are either unavailable or do not agree on the potential impact of this missense change (SIFT: "Deleterious"; PolyPhen-2: "Benign"; Align-GVGD: "Class C0"). This variant has not been reported in the literature in individuals with USH2A-related conditions.